The following is an entry in ClinVar:

NM_001148.6(ANK2):c.8341A>C (p.Ser2781Arg)

Gene: ANK2 (ankyrin 2; plus strand). Cytogenetic location: 4q26.
Variant type: single nucleotide variant.
Coding change: c.8341A>C on transcript NM_001148.6 (MANE Select); coding-DNA position 8341, A replaced by C.
Protein change: p.Ser2781Arg; replaces serine 2781 with arginine.
Molecular consequence: missense variant. On other transcripts: intron variant (68).
Genome position (GRCh38, 1-based): chr4:113,356,959, A>C. VCF-style: chr4-113356959-A-C. GRCh37 (hg19) VCF-style: chr4-114278115-A-C.
Other names: c.4214-3864A>C (NM_001354269.3); c.4292-3864A>C (NM_001386187.2); c.4253-3864A>C (NM_001386147.1); c.4271-3864A>C (NM_001386160.1); c.4376-3864A>C (NM_001354254.2); c.4397-3864A>C (NM_001354239.2, NM_001354252.2); c.4298-3864A>C (NM_001354272.2); c.4361-3864A>C (NM_001354244.2, NM_001354256.2, NM_001386161.1); and 35 more; short protein forms S1581R, S2703R, S2781R, S2820R, S2828R.
Identifiers: ClinVar variation 1315854 (VCV001315854.2), dbSNP rs2154026760, ClinGen allele CA357933850.

ClinVar aggregate classification (germline): Uncertain significance (1 of 4 stars; one submission).

Submission:

GeneDx
Classification: Uncertain significance. Last evaluated: 2019-09-19. Review status: criteria provided, single submitter. Criteria: GeneDx Variant Classification Process June 2021. Collection method: clinical testing. Allele origin: germline. Affected: yes.
Comment: Has not been previously published as pathogenic or benign to our knowledge; Not observed in large population cohorts (Lek et al., 2016); In silico analysis, which includes protein predictors and evolutionary conservation, supports that this variant does not alter protein structure/function